The following is an entry in ClinVar:

NM_002948.5(RPL15):c.55A>G (p.Met19Val)

Genes: NKIRAS1 (NFKB inhibitor interacting Ras like 1; minus strand), RPL15 (ribosomal protein L15; plus strand). Cytogenetic location: 3p24.2.
Variant type: single nucleotide variant.
Coding change: c.55A>G on transcript NM_002948.5 (MANE Select); coding-DNA position 55, A replaced by G.
Protein change: p.Met19Val; replaces methionine 19 with valine.
Molecular consequence: missense variant. On other transcripts: intron variant (1).
Genome position (GRCh38, 1-based): chr3:23,917,914, A>G. VCF-style: chr3-23917914-A-G. GRCh37 (hg19) VCF-style: chr3-23959405-A-G.
Other names: c.55A>G, p.Met19Val (NM_001253379.2, NM_001253380.2, NM_001253382.2 and 2 more transcripts); c.-139-6464T>C (NM_001377380.1); short protein forms M19V.
Identifiers: ClinVar variation 1368290 (VCV001368290.7), dbSNP rs772286584, ClinGen allele CA2286424.

ClinVar aggregate classification (germline): Uncertain significance. Review status: criteria provided, multiple submitters, no conflicts (2 of 4 stars). 2 submissions from 2 submitters: Uncertain significance (2). Last evaluated 2025-07-14.

Allele frequency attached by ClinVar (database versions not stated): ExAC 0.00002; gnomAD 0.00001; gnomAD exomes 0.00001 and 0.00005; TOPMed 0.00002.
gnomAD v4.1: 67 of 1,613,596 alleles (0.0042%); highest among the groups gnomAD compares: Non-Finnish European, 0.0054%; no homozygotes.

Submissions (2):

Labcorp Genetics (formerly Invitae), Labcorp
Classification: Uncertain significance. Last evaluated: 2025-07-14. Review status: criteria provided, single submitter. Criteria: Invitae Variant Classification Sherloc (09022015). Collection method: clinical testing. Allele origin: germline.
Comment: This sequence change replaces methionine, which is neutral and non-polar, with valine, which is neutral and non-polar, at codon 19 of the RPL15 protein (p.Met19Val). This variant is present in population databases (rs772286584, gnomAD 0.003%). This variant has not been reported in the literature in individuals affected with RPL15-related conditions. ClinVar contains an entry for this variant (Variation ID: 1368290). An algorithm developed to predict the effect of missense changes on protein structure and function (PolyPhen-2) suggests that this variant is likely to be tolerated. In summary, the available evidence is currently insufficient to determine the role of this variant in disease. Therefore, it has been classified as a Variant of Uncertain Significance.

Ambry Genetics
Classification: Uncertain significance. Last evaluated: 2025-02-05. Review status: criteria provided, single submitter. Criteria: Ambry Variant Classification Scheme 2023. Collection method: clinical testing. Allele origin: germline.